The following is an entry in ClinVar:

ClinVar aggregate classification (germline): Benign/Likely benign. Review status: criteria provided, multiple submitters, no conflicts (2 of 4 stars). 8 submissions from 8 submitters: Benign (3); Likely benign (5). Last evaluated 2026-04-01.

Conditions:
Spinocerebellar ataxia type 29 (SCA29). Also called: Spinocerebellar ataxia 29, congenital nonprogressive; CEREBELLAR ATAXIA, CONGENITAL NONPROGRESSIVE, AUTOSOMAL DOMINANT. Identifiers: Orphanet 208513, MedGen C1861732, MONDO:0007298, OMIM 117360.
Spinocerebellar ataxia type 15/16 (SCA15). Also called: Spinocerebellar Ataxia Type 15. Identifiers: Orphanet 98769, MedGen C1847725, MONDO:0011694, OMIM 606658.
Gillespie syndrome (GLSP). Also called: Aniridia-cerebellar ataxia-intellectual disability syndrome; Aniridia, cerebellar ataxia, and mental deficiency. Identifiers: Orphanet 1065, MedGen C0431401, MONDO:0008795, OMIM 206700.
Autosomal dominant cerebellar ataxia. Also called: Spinocerebellar Ataxia, Dominant. Identifiers: Orphanet 99, MedGen C4087347, MONDO:0020380.

Allele frequency attached by ClinVar (database versions not stated): 1000 Genomes Project 30x 0.00219; ESP Exome Variant Server 0.00229; 1000 Genomes Project 0.00240; TOPMed 0.00259.
gnomAD v4.1: 1,243 of 1,613,818 alleles (0.077%); highest among the groups gnomAD compares: African/African-American, 0.63%; 2 homozygotes.

Submissions (8):

CeGaT Center for Human Genetics Tuebingen
Classification: Likely benign. Last evaluated: 2026-04-01. Review status: criteria provided, single submitter. Criteria: CeGaT Center For Human Genetics Tuebingen Variant Classification Criteria Version 2. Collection method: clinical testing. Allele origin: germline. Affected: yes. Observed: 4 variant alleles.
Comment: ITPR1: BP4, BP7

Labcorp Genetics (formerly Invitae), Labcorp
Classification: Benign. Last evaluated: 2026-01-05. Review status: criteria provided, single submitter. Criteria: Invitae Variant Classification Sherloc (09022015). Collection method: clinical testing. Allele origin: germline.

Blueprint Genetics
Classification: Likely benign. Last evaluated: 2024-10-21. Review status: criteria provided, single submitter. Criteria: ACMG Guidelines, 2015. Collection method: clinical testing. Allele origin: germline.

Athena Diagnostics
Classification: Benign. Last evaluated: 2024-07-12. Review status: criteria provided, single submitter. Criteria: Athena Diagnostics Criteria. Collection method: clinical testing. Allele origin: unknown.

Fulgent Genetics
Classification: Likely benign for Spinocerebellar ataxia type 29; Gillespie syndrome; Spinocerebellar ataxia type 15/16. Last evaluated: 2021-12-21. Review status: criteria provided, single submitter. Criteria: ACMG Guidelines, 2015. Collection method: clinical testing. Allele origin: unknown.

GeneDx
Classification: Likely benign. Last evaluated: 2021-04-13. Review status: criteria provided, single submitter. Criteria: GeneDx Variant Classification Process June 2021. Collection method: clinical testing. Allele origin: germline. Affected: yes.

Illumina Laboratory Services, Illumina
Classification: Benign for Spinocerebellar Ataxia, Dominant. Last evaluated: 2018-01-13. Review status: criteria provided, single submitter. Criteria: ICSL Variant Classification Criteria 13 December 2019. Collection method: clinical testing. Allele origin: germline.
Comment: This variant was observed in the ICSL laboratory as part of a predisposition screen in an ostensibly healthy population. It had not been previously curated by ICSL or reported in the Human Gene Mutation Database (HGMD: prior to June 1st, 2018), and was therefore a candidate for classification through an automated scoring system. Utilizing variant allele frequency, disease prevalence and penetrance estimates, and inheritance mode, an automated score was calculated to assess if this variant is too frequent to cause the disease. Based on the score and internal cut-off values, a variant classified as benign is not then subjected to further curation. The score for this variant resulted in a classification of benign for this disease.

Breakthrough Genomics
Classification: Likely benign. Review status: criteria provided, single submitter. Criteria: ACMG Guidelines, 2015. Collection method: not provided. Allele origin: germline. Inheritance: Autosomal dominant inheritance. Affected: yes.

NM_001378452.1(ITPR1):c.3705C>T (p.Ala1235=)

Gene: ITPR1 (inositol 1,4,5-trisphosphate receptor type 1; plus strand). Cytogenetic location: 3p26.1.
Variant type: single nucleotide variant.
Coding change: c.3705C>T on transcript NM_001378452.1 (MANE Select); coding-DNA position 3705, C replaced by T.
Protein change: p.Ala1235=; no amino-acid change (alanine 1235 retained).
Molecular consequence: synonymous variant.
Genome position (GRCh38, 1-based): chr3:4,688,497, C>T. VCF-style: chr3-4688497-C-T. GRCh37 (hg19) VCF-style: chr3-4730181-C-T.
Other names: c.3678C>T, p.Ala1226= (NM_001099952.4); c.3660C>T, p.Ala1220= (NM_001168272.2); c.3633C>T, p.Ala1211= (NM_002222.7).
Identifiers: ClinVar variation 345732 (VCV000345732.43), dbSNP rs34635052, ClinGen allele CA2231794.
Genomic context (GRCh38, chr3:4,688,497, plus strand): 5'-GGAGAAGCTGGTCTCCTGGCCCAGCAATCAGTGCTTTCATCTGTCTCCTCCCACACAGGC[C>T]GAAGATACCAAGATGCAAGAGATAATGAGGTTGGCTCATGAATTTTTGCAGAATTTCTGC-3'
Protein context (NP_001365381.1, residues 1225-1245): LELLQIPYEK[Ala1235=]EDTKMQEIMR